The following is an entry in ClinVar:

NM_006734.4(HIVEP2):c.3877C>T (p.Leu1293Phe)

Gene: HIVEP2 (HIVEP zinc finger 2; minus strand). Cytogenetic location: 6q24.2.
Variant type: single nucleotide variant.
Coding change: c.3877C>T on transcript NM_006734.4 (MANE Select); coding-DNA position 3877, C replaced by T.
Protein change: p.Leu1293Phe; replaces leucine 1293 with phenylalanine.
Molecular consequence: missense variant.
Genome position (GRCh38, 1-based): chr6:142,770,862, G>A on the plus strand (C>T on the coding strand, the complement: HIVEP2 is on the minus strand). VCF-style: chr6-142770862-G-A. GRCh37 (hg19) VCF-style: chr6-143091999-G-A.
Other names: short protein forms L1293F.
Identifiers: ClinVar variation 2315460 (VCV002315460.27), dbSNP rs35675714, ClinGen allele CA4028167.

ClinVar aggregate classification (germline): Conflicting classifications of pathogenicity. Review status: criteria provided, conflicting classifications (1 of 4 stars). 3 submissions from 3 submitters: Uncertain significance (1); Likely benign (2). Last evaluated 2025-06-26.

Conditions:
Inborn genetic diseases. Identifiers: MedGen C0950123, MeSH D030342.

gnomAD v4.1: 16 of 1,614,212 alleles (0.00099%); highest among the groups gnomAD compares: Middle Eastern, 0.033%; no homozygotes.

Submissions (3):

Women's Health and Genetics/Laboratory Corporation of America, LabCorp
Classification: Uncertain significance. Last evaluated: 2025-06-26. Review status: criteria provided, single submitter. Criteria: LabCorp Variant Classification Summary - May 2015. Collection method: clinical testing. Allele origin: germline.
Comment: Variant summary: HIVEP2 c.3877C>T (p.Leu1293Phe) results in a non-conservative amino acid change in the encoded protein sequence. Algorithms developed to predict the effect of missense changes on protein structure and function are either unavailable or do not agree on the potential impact of this missense change. The variant allele was found at a frequency of 2e-05 in 249580 control chromosomes. The available data on variant occurrences in the general population are insufficient to allow any conclusion about variant significance. To our knowledge, no occurrence of c.3877C>T in individuals affected with Intellectual Disability, Autosomal Dominant 43 and no experimental evidence demonstrating its impact on protein function have been reported. ClinVar contains an entry for this variant (Variation ID: 2315460). Based on the evidence outlined above, the variant was classified as uncertain significance.

CeGaT Center for Human Genetics Tuebingen
Classification: Likely benign. Last evaluated: 2023-05-01. Review status: criteria provided, single submitter. Criteria: CeGaT Center For Human Genetics Tuebingen Variant Classification Criteria Version 2. Collection method: clinical testing. Allele origin: germline. Affected: yes. Observed: 1 variant allele.
Comment: HIVEP2: BP4, BP5

Ambry Genetics
Classification: Likely benign for Inborn genetic diseases. Last evaluated: 2022-10-03. Review status: criteria provided, single submitter. Criteria: Ambry Variant Classification Scheme 2023. Collection method: clinical testing. Allele origin: germline.